The following is an entry in ClinVar:

NM_006206.6(PDGFRA):c.921T>G (p.Ile307Met)

Gene: PDGFRA (platelet derived growth factor receptor alpha; plus strand). Cytogenetic location: 4q12.
Variant type: single nucleotide variant.
Coding change: c.921T>G on transcript NM_006206.6 (MANE Select); coding-DNA position 921, T replaced by G.
Protein change: p.Ile307Met; replaces isoleucine 307 with methionine.
Molecular consequence: missense variant.
Genome position (GRCh38, 1-based): chr4:54,267,450, T>G. VCF-style: chr4-54267450-T-G. GRCh37 (hg19) VCF-style: chr4-55133617-T-G.
Other names: c.921T>G, p.Ile307Met (NM_001347827.2, NM_001347829.2); c.996T>G, p.Ile332Met (NM_001347828.2); c.960T>G, p.Ile320Met (NM_001347830.2); short protein forms I307M, I320M, I332M.
Identifiers: ClinVar variation 459129 (VCV000459129.11), dbSNP rs1553903298, ClinGen allele CA356891393.

ClinVar aggregate classification (germline): Uncertain significance (1 of 4 stars; one submission).

Conditions:
Gastrointestinal stromal tumor. Also called: Gastrointestinal stroma tumor; Gastrointestinal stromal tumor, somatic. Identifiers: Orphanet 44890, MedGen C0238198, MeSH D046152, MONDO:0011719, OMIM 606764, HP:0100723.

Submission:

Labcorp Genetics (formerly Invitae), Labcorp
Classification: Uncertain significance for Gastrointestinal stromal tumor. Last evaluated: 2019-03-13. Review status: criteria provided, single submitter. Criteria: Invitae Variant Classification Sherloc (09022015). Collection method: clinical testing. Allele origin: germline.
Comment: In summary, this variant is a novel missense change with uncertain impact on protein function. It has been classified as a Variant of Uncertain Significance. Algorithms developed to predict the effect of missense changes on protein structure and function do not agree on the potential impact of this missense change (SIFT: "Deleterious"; PolyPhen-2: "Probably Damaging"; Align-GVGD: "Class C0"). This variant is not present in population databases (ExAC no frequency) and has not been reported in the literature in individuals with a PDGFRA-related disease. This sequence change replaces isoleucine with methionine at codon 307 of the PDGFRA protein (p.Ile307Met). The isoleucine residue is highly conserved and there is a small physicochemical difference between isoleucine and methionine.